The following is an entry in ClinVar:

ClinVar aggregate classification (germline): Uncertain significance. Review status: criteria provided, multiple submitters, no conflicts (2 of 4 stars). 3 submissions from 3 submitters: Uncertain significance (3). Last evaluated 2025-12-15.

Conditions:
CHRNA2-related disorder. Also called: CHRNA2-related condition.
Familial sleep-related hypermotor epilepsy. Also called: Autosomal Dominant Sleep-Related Hypermotor (Hyperkinetic) Epilepsy. Identifiers: Orphanet 98784, MedGen C3696898, MONDO:0000030.

Allele frequency attached by ClinVar (database versions not stated): gnomAD 0.00001 and 0.00002; gnomAD exomes 0.00001; TOPMed 0.00003.

Submissions (3):

Labcorp Genetics (formerly Invitae), Labcorp
Classification: Uncertain significance. Last evaluated: 2025-12-15. Review status: criteria provided, single submitter. Criteria: Invitae Variant Classification Sherloc (09022015). Collection method: clinical testing. Allele origin: germline.
Comment: This sequence change replaces arginine, which is basic and polar, with tryptophan, which is neutral and slightly polar, at codon 263 of the CHRNA2 protein (p.Arg263Trp). This variant is present in population databases (rs376807512, gnomAD 0.002%). This variant has not been reported in the literature in individuals affected with CHRNA2-related conditions. ClinVar contains an entry for this variant (Variation ID: 871555). Invitae Evidence Modeling of protein sequence and biophysical properties (such as structural, functional, and spatial information, amino acid conservation, physicochemical variation, residue mobility, and thermodynamic stability) indicates that this missense variant is expected to disrupt CHRNA2 protein function with a positive predictive value of 80%. In summary, the available evidence is currently insufficient to determine the role of this variant in disease. Therefore, it has been classified as a Variant of Uncertain Significance.

PreventionGenetics, part of Exact Sciences
Classification: Uncertain significance for CHRNA2-related condition. Last evaluated: 2025-09-15. Review status: criteria provided, single submitter. Criteria: ACMG Guidelines, 2015. Collection method: clinical testing. Allele origin: germline.
Comment: The CHRNA2 c.787C>T variant is predicted to result in the amino acid substitution p.Arg263Trp. To our knowledge, this variant has not been reported in the literature. This variant is reported in 0.0018% of alleles in individuals of European (Non-Finnish) descent in gnomAD. Although we suspect that this variant may be benign, at this time, the clinical significance of this variant is uncertain due to the absence of conclusive functional and genetic evidence.

CeGaT Center for Human Genetics Tuebingen
Classification: Uncertain significance. Last evaluated: 2020-06-01. Review status: criteria provided, single submitter. Criteria: CeGaT Center For Human Genetics Tuebingen Variant Classification Criteria Version 2. Collection method: clinical testing. Allele origin: germline. Affected: yes. Observed: 2 variant alleles.

NM_000742.4(CHRNA2):c.787C>T (p.Arg263Trp)

Gene: CHRNA2 (cholinergic receptor nicotinic alpha 2 subunit; minus strand). Cytogenetic location: 8p21.2.
Variant type: single nucleotide variant.
Coding change: c.787C>T on transcript NM_000742.4 (MANE Select); coding-DNA position 787, C replaced by T.
Protein change: p.Arg263Trp; replaces arginine 263 with tryptophan.
Molecular consequence: missense variant.
Genome position (GRCh38, 1-based): chr8:27,463,656, G>A on the plus strand (C>T on the coding strand, the complement: CHRNA2 is on the minus strand). VCF-style: chr8-27463656-G-A. GRCh37 (hg19) VCF-style: chr8-27321173-G-A.
Other names: c.742C>T, p.Arg248Trp (NM_001282455.2); c.310C>T, p.Arg104Trp (NM_001347705.2, NM_001347706.2); c.193C>T, p.Arg65Trp (NM_001347707.2, NM_001347708.2); c.787C>T (NM_000742.3); short protein forms R65W, R263W, R104W, R248W.
Identifiers: ClinVar variation 871555 (VCV000871555.47), dbSNP rs376807512, ClinGen allele CA174242306.